The following is an entry in ClinVar:

NM_000384.3(APOB):c.542C>A (p.Thr181Asn)

Gene: APOB (apolipoprotein B; minus strand). Cytogenetic location: 2p24.1.
Variant type: single nucleotide variant.
Coding change: c.542C>A on transcript NM_000384.3 (MANE Select); coding-DNA position 542, C replaced by A.
Protein change: p.Thr181Asn; replaces threonine 181 with asparagine.
Molecular consequence: missense variant.
Genome position (GRCh38, 1-based): chr2:21,037,251, G>T on the plus strand (C>A on the coding strand, the complement: APOB is on the minus strand). VCF-style: chr2-21037251-G-T. GRCh37 (hg19) VCF-style: chr2-21260123-G-T.
Other names: short protein forms T181N.
Identifiers: ClinVar variation 921891 (VCV000921891.8), dbSNP rs1664027561, ClinGen allele CA345962269.
Genomic context (GRCh38, chr2:21,037,251, plus strand): 5'-GTTGCCACATTGCCCTTCCTCGTCTTGACGGTAAAGTGAGTGGAGCAGTTTCCATACACG[G>T]TATCCTATGGAGGAAGAAGATGCAACCACATGTATTCAACACGGGCAACATCCTTGGGTA-3'
Protein context (NP_000375.3, residues 171-191): EEAKQVLFLD[Thr181Asn]VYGNCSTHFT

ClinVar aggregate classification (germline): Uncertain significance. Review status: criteria provided, multiple submitters, no conflicts (2 of 4 stars). 2 submissions from 2 submitters: Uncertain significance (2). Last evaluated 2025-06-09.

Conditions:
Familial hypobetalipoproteinemia 1. Also called: Hypobetalipoproteinemia, normotriglyceridemic; Acanthocytosis with hypobetalipoproteinemia; APOB-Related Familial Hypobetalipoproteinemia. Identifiers: MedGen C4551990, MONDO:0014252, OMIM 615558.
Hypercholesterolemia, autosomal dominant, type B (FHCL2). Also called: Familial Hypercholesterolemia Type B; HYPERCHOLESTEROLEMIA, FAMILIAL, DUE TO LIGAND-DEFECTIVE APOLIPOPROTEIN B; Familial hypercholesterolemia 2; APOB-Related Familial Hypercholesterolemia, Autosomal Dominant; APOLIPOPROTEIN B-100, FAMILIAL DEFECTIVE; APOLIPOPROTEIN B-100, FAMILIAL LIGAND-DEFECTIVE. Identifiers: MedGen C1704417, MONDO:0007751, OMIM 144010.
Cardiovascular phenotype. Identifiers: MedGen CN230736.

Submissions (2):

Labcorp Genetics (formerly Invitae), Labcorp
Classification: Uncertain significance for Familial hypobetalipoproteinemia 1; Hypercholesterolemia, autosomal dominant, type B. Last evaluated: 2025-06-09. Review status: criteria provided, single submitter. Criteria: Invitae Variant Classification Sherloc (09022015). Collection method: clinical testing. Allele origin: germline.
Comment: This sequence change replaces threonine, which is neutral and polar, with asparagine, which is neutral and polar, at codon 181 of the APOB protein (p.Thr181Asn). This variant is not present in population databases (gnomAD no frequency). This variant has not been reported in the literature in individuals affected with APOB-related conditions. ClinVar contains an entry for this variant (Variation ID: 921891). Invitae Evidence Modeling of protein sequence and biophysical properties (such as structural, functional, and spatial information, amino acid conservation, physicochemical variation, residue mobility, and thermodynamic stability) indicates that this missense variant is not expected to disrupt APOB protein function with a negative predictive value of 95%. In summary, the available evidence is currently insufficient to determine the role of this variant in disease. Therefore, it has been classified as a Variant of Uncertain Significance.

Ambry Genetics
Classification: Uncertain significance for Cardiovascular phenotype. Last evaluated: 2024-09-08. Review status: criteria provided, single submitter. Criteria: Ambry Variant Classification Scheme 2023. Collection method: clinical testing. Allele origin: germline.
Comment: The p.T181N variant (also known as c.542C>A), located in coding exon 6 of the APOB gene, results from a C to A substitution at nucleotide position 542. The threonine at codon 181 is replaced by asparagine, an amino acid with similar properties. This amino acid position is conserved. In addition, this alteration is predicted to be tolerated by in silico analysis. Based on the available evidence, the clinical significance of this variant remains unclear.